The following is an entry in ClinVar:

NM_005475.3(SH2B3):c.28T>G (p.Ser10Ala)

Gene: SH2B3 (SH2B adaptor protein 3; plus strand). Cytogenetic location: 12q24.12.
Variant type: single nucleotide variant.
Coding change: c.28T>G on transcript NM_005475.3 (MANE Select); coding-DNA position 28, T replaced by G.
Protein change: p.Ser10Ala; replaces serine 10 with alanine.
Molecular consequence: missense variant.
Genome position (GRCh38, 1-based): chr12:111,418,173, T>G. VCF-style: chr12-111418173-T-G. GRCh37 (hg19) VCF-style: chr12-111855977-T-G.
Other names: short protein forms S10A.
Identifiers: ClinVar variation 4630743 (VCV004630743.1).

ClinVar aggregate classification (germline): Uncertain significance (1 of 4 stars; one submission).

Conditions:
Inborn genetic diseases. Identifiers: MedGen C0950123, MeSH D030342.

gnomAD v4.1: 1 of 1,552,226 alleles (0.000064%); highest among the groups gnomAD compares: Non-Finnish European, 0.000086%; no homozygotes.

Submission:

Ambry Genetics
Classification: Uncertain significance for Inborn genetic diseases. Last evaluated: 2025-11-02. Review status: criteria provided, single submitter. Criteria: Ambry Variant Classification Scheme 2023. Collection method: clinical testing. Allele origin: germline.
Comment: The p.S10A variant (also known as c.28T>G), located in coding exon 1 of the SH2B3 gene, results from a T to G substitution at nucleotide position 28. The serine at codon 10 is replaced by alanine, an amino acid with similar properties. This amino acid position is conserved. In addition, this alteration is predicted to be tolerated by in silico analysis. Based on the available evidence, the clinical significance of this variant remains unclear.